The following is an entry in ClinVar:

NM_001376.5(DYNC1H1):c.1687C>T (p.Arg563Trp)

Gene: DYNC1H1 (dynein cytoplasmic 1 heavy chain 1; plus strand). Cytogenetic location: 14q32.31.
Variant type: single nucleotide variant.
Coding change: c.1687C>T on transcript NM_001376.5 (MANE Select); coding-DNA position 1687, C replaced by T.
Protein change: p.Arg563Trp; replaces arginine 563 with tryptophan.
Molecular consequence: missense variant.
Genome position (GRCh38, 1-based): chr14:101,985,912, C>T. VCF-style: chr14-101985912-C-T. GRCh37 (hg19) VCF-style: chr14-102452249-C-T.
Other names: short protein forms R563W.
Identifiers: ClinVar variation 1335162 (VCV001335162.36), dbSNP rs936651034, ClinGen allele CA391019002.
Genomic context (GRCh38, chr14:101,985,912, plus strand): 5'-ACGGAAGCCTGGGAGGCTGCTATGAAGAGGTACGATGAGAGGATCGACAGAGTGGAGACC[C>T]GGATCACCGCTCGCCTTCGGGATCAGCTTGGCACAGCCAAGAATGCCAACGAGATGTTTA-3'
Protein context (NP_001367.2, residues 553-573): YDERIDRVET[Arg563Trp]ITARLRDQLG

ClinVar aggregate classification (germline): Uncertain significance. Review status: criteria provided, multiple submitters, no conflicts (2 of 4 stars). 2 submissions from 2 submitters: Uncertain significance (2). Last evaluated 2024-08-14.

Conditions:
Charcot-Marie-Tooth disease axonal type 2O. Also called: Charcot-Marie-Tooth disease, axonal, type 20; Charcot-Marie-Tooth Neuropathy Type 2O; CHARCOT-MARIE-TOOTH NEUROPATHY, AXONAL, TYPE 2O; CHARCOT-MARIE-TOOTH DISEASE, AXONAL, AUTOSOMAL DOMINANT, TYPE 2O. Identifiers: Orphanet 284232, MedGen C3280220, MONDO:0013644, OMIM 614228.

Submissions (2):

Labcorp Genetics (formerly Invitae), Labcorp
Classification: Uncertain significance for Charcot-Marie-Tooth disease axonal type 2O. Last evaluated: 2024-08-14. Review status: criteria provided, single submitter. Criteria: Invitae Variant Classification Sherloc (09022015). Collection method: clinical testing. Allele origin: germline.
Comment: This sequence change replaces arginine, which is basic and polar, with tryptophan, which is neutral and slightly polar, at codon 563 of the DYNC1H1 protein (p.Arg563Trp). This variant is not present in population databases (gnomAD no frequency). This variant has not been reported in the literature in individuals affected with DYNC1H1-related conditions. ClinVar contains an entry for this variant (Variation ID: 1335162). Invitae Evidence Modeling of protein sequence and biophysical properties (such as structural, functional, and spatial information, amino acid conservation, physicochemical variation, residue mobility, and thermodynamic stability) indicates that this missense variant is expected to disrupt DYNC1H1 protein function with a positive predictive value of 95%. In summary, the available evidence is currently insufficient to determine the role of this variant in disease. Therefore, it has been classified as a Variant of Uncertain Significance.

CeGaT Center for Human Genetics Tuebingen
Classification: Uncertain significance. Last evaluated: 2021-11-01. Review status: criteria provided, single submitter. Criteria: CeGaT Center For Human Genetics Tuebingen Variant Classification Criteria Version 2. Collection method: clinical testing. Allele origin: germline. Affected: yes. Observed: 1 variant allele.